The following is an entry in ClinVar:

ClinVar aggregate classification (germline): Uncertain significance (1 of 4 stars; one submission).

Conditions:
Inborn genetic diseases. Identifiers: MedGen C0950123, MeSH D030342.

gnomAD v4.1: 98 of 1,613,554 alleles (0.0061%); highest among the groups gnomAD compares: Non-Finnish European, 0.002%; no homozygotes.

Submission:

Ambry Genetics
Classification: Uncertain significance for Inborn genetic diseases. Last evaluated: 2025-02-09. Review status: criteria provided, single submitter. Criteria: Ambry Variant Classification Scheme 2023. Collection method: clinical testing. Allele origin: germline.
Comment: The p.Q423K variant (also known as c.1267C>A), located in coding exon 6 of the SH2B3 gene, results from a C to A substitution at nucleotide position 1267. The glutamine at codon 423 is replaced by lysine, an amino acid with similar properties. This amino acid position is conserved. In addition, the in silico prediction for this alteration is inconclusive. Based on the available evidence, the clinical significance of this variant remains unclear.

NM_005475.3(SH2B3):c.1267C>A (p.Gln423Lys)

Gene: SH2B3 (SH2B adaptor protein 3; plus strand). Cytogenetic location: 12q24.12.
Variant type: single nucleotide variant.
Coding change: c.1267C>A on transcript NM_005475.3 (MANE Select); coding-DNA position 1267, C replaced by A.
Protein change: p.Gln423Lys; replaces glutamine 423 with lysine.
Molecular consequence: missense variant.
Genome position (GRCh38, 1-based): chr12:111,447,686, C>A. VCF-style: chr12-111447686-C-A. GRCh37 (hg19) VCF-style: chr12-111885490-C-A.
Other names: c.661C>A, p.Gln221Lys (NM_001291424.1); short protein forms Q423K, Q221K.
Identifiers: ClinVar variation 3795182 (VCV003795182.1).